The following is an entry in ClinVar:

ClinVar aggregate classification (germline): Uncertain significance (1 of 4 stars; one submission).

Conditions:
Hereditary cancer-predisposing syndrome. Also called: Hereditary neoplastic syndrome; Neoplastic Syndromes, Hereditary; Tumor predisposition; Hereditary Cancer Syndrome. Identifiers: Orphanet 140162, MedGen C0027672, MeSH D009386, MONDO:0015356.

Submission:

Ambry Genetics
Classification: Uncertain significance for Hereditary cancer-predisposing syndrome. Last evaluated: 2025-01-17. Review status: criteria provided, single submitter. Criteria: Ambry Variant Classification Scheme 2023. Collection method: clinical testing. Allele origin: germline.
Comment: The p.V629G variant (also known as c.1886T>G), located in coding exon 12 of the BRIP1 gene, results from a T to G substitution at nucleotide position 1886. The valine at codon 629 is replaced by glycine, an amino acid with dissimilar properties. This amino acid position is conserved. In addition, this alteration is predicted to be deleterious by in silico analysis. Based on the available evidence, the clinical significance of this variant remains unclear.

NM_032043.3(BRIP1):c.1886T>G (p.Val629Gly)

Gene: BRIP1 (BRCA1 interacting DNA helicase 1; minus strand). Cytogenetic location: 17q23.2.
Variant type: single nucleotide variant.
Coding change: c.1886T>G on transcript NM_032043.3 (MANE Select); coding-DNA position 1886, T replaced by G.
Protein change: p.Val629Gly; replaces valine 629 with glycine.
Molecular consequence: missense variant.
Genome position (GRCh38, 1-based): chr17:61,780,310, A>C on the plus strand (T>G on the coding strand, the complement: BRIP1 is on the minus strand). VCF-style: chr17-61780310-A-C. GRCh37 (hg19) VCF-style: chr17-59857671-A-C.
Other names: short protein forms V629G.
Identifiers: ClinVar variation 3825675 (VCV003825675.1).